The following is an entry in ClinVar:

ClinVar aggregate classification (germline): Uncertain significance (1 of 4 stars; one submission).

Allele frequency attached by ClinVar (database versions not stated): gnomAD 0.00002; TOPMed 0.00003; ExAC 0.00005.
gnomAD v4.1: 59 of 1,612,986 alleles (0.0037%); highest among the groups gnomAD compares: South Asian, 0.037%; no homozygotes.

Submission:

GeneDx
Classification: Uncertain significance. Last evaluated: 2022-03-10. Review status: criteria provided, single submitter. Criteria: GeneDx Variant Classification Process June 2021. Collection method: clinical testing. Allele origin: germline. Affected: yes.
Comment: In silico analysis supports that this missense variant has a deleterious effect on protein structure/function; Has not been previously published as pathogenic or benign to our knowledge

NM_031475.3(ESPN):c.1943C>T (p.Pro648Leu)

Gene: ESPN (espin; plus strand). Cytogenetic location: 1p36.31.
Variant type: single nucleotide variant.
Coding change: c.1943C>T on transcript NM_031475.3 (MANE Select); coding-DNA position 1943, C replaced by T.
Protein change: p.Pro648Leu; replaces proline 648 with leucine.
Molecular consequence: missense variant.
Genome position (GRCh38, 1-based): chr1:6,451,630, C>T. VCF-style: chr1-6451630-C-T. GRCh37 (hg19) VCF-style: chr1-6511690-C-T.
Other names: c.1853C>T, p.Pro618Leu (NM_001367473.1); c.1880C>T, p.Pro627Leu (NM_001367474.1); short protein forms P618L, P627L, P648L.
Identifiers: ClinVar variation 1704861 (VCV001704861.2), dbSNP rs769077759, ClinGen allele CA560322.